The following is an entry in ClinVar:

NM_001194998.2(CEP152):c.2603del (p.Gly868fs)

Gene: CEP152 (centrosomal protein 152; minus strand). Cytogenetic location: 15q21.1.
Variant type: Deletion.
Coding change: c.2603del on transcript NM_001194998.2 (MANE Select); coding-DNA position 2603, one base deleted (G; older notation c.2603delG).
Protein change: p.Gly868fs; shifts the reading frame from glycine 868.
Molecular consequence: frameshift variant.
Genome position (GRCh38, 1-based): chr15:48,760,226, C deleted on the plus strand (G on the coding strand, the reverse complement: CEP152 is on the minus strand); the first of 3 consecutive C bases (chr15:48,760,226-48,760,228); deleting any one gives the same sequence. VCF-style (leftmost placement, unchanged base first): chr15-48760225-TC-T. GRCh37 (hg19) VCF-style: chr15-49052422-TC-T.
Other names: c.2603del, p.Gly868fs (NM_014985.4); short protein forms G868fs.
Identifiers: ClinVar variation 2762317 (VCV002762317.3), dbSNP rs2504642290, ClinGen allele CA2628343716.

ClinVar aggregate classification (germline): Pathogenic (1 of 4 stars; one submission).

Submission:

Labcorp Genetics (formerly Invitae), Labcorp
Classification: Pathogenic. Last evaluated: 2023-09-21. Review status: criteria provided, single submitter. Criteria: Invitae Variant Classification Sherloc (09022015). Collection method: clinical testing. Allele origin: germline.
Comment: For these reasons, this variant has been classified as Pathogenic. This variant has not been reported in the literature in individuals affected with CEP152-related conditions. This variant is not present in population databases (gnomAD no frequency). This sequence change creates a premature translational stop signal (p.Gly868Glufs*13) in the CEP152 gene. It is expected to result in an absent or disrupted protein product. Loss-of-function variants in CEP152 are known to be pathogenic (PMID: 21131973).

Literature cited by the submitters: PubMed 21131973.